The following is an entry in ClinVar:

ClinVar aggregate classification (germline): Benign/Likely benign. Review status: criteria provided, multiple submitters, no conflicts (2 of 4 stars). 4 submissions from 4 submitters: Benign (2); Likely benign (2). Last evaluated 2026-03-01.

Allele frequency attached by ClinVar (database versions not stated): 1000 Genomes Project 0.00220; 1000 Genomes Project 30x 0.00234; TOPMed 0.00532; ESP Exome Variant Server 0.00546; ExAC 0.00589; gnomAD exomes 0.00622 and 0.00778; gnomAD 0.00645 and 0.00667.
gnomAD v4.1: 12,290 of 1,613,984 alleles (0.76%); highest among the groups gnomAD compares: Non-Finnish European, 0.84%; 63 homozygotes.

Submissions (4):

CeGaT Center for Human Genetics Tuebingen
Classification: Likely benign. Last evaluated: 2026-03-01. Review status: criteria provided, single submitter. Criteria: CeGaT Center For Human Genetics Tuebingen Variant Classification Criteria Version 2. Collection method: clinical testing. Allele origin: germline. Affected: yes. Observed: 7 variant alleles.
Comment: PRG4: BP4, BP7, BS2; TPR: BS2

Blueprint Genetics
Classification: Likely benign. Last evaluated: 2024-11-25. Review status: criteria provided, single submitter. Criteria: ACMG Guidelines, 2015. Collection method: clinical testing. Allele origin: germline.

Labcorp Genetics (formerly Invitae), Labcorp
Classification: Benign. Last evaluated: 2019-12-31. Review status: criteria provided, single submitter. Criteria: Invitae Variant Classification Sherloc (09022015). Collection method: clinical testing. Allele origin: germline.

Breakthrough Genomics
Classification: Benign. Review status: criteria provided, single submitter. Criteria: ACMG Guidelines, 2015. Collection method: not provided. Allele origin: germline. Inheritance: Autosomal recessive inheritance. Affected: yes.

NM_003292.3(TPR):c.*1711A>G

Genes: TPR (translocated promoter region, nuclear basket protein; minus strand), PRG4 (proteoglycan 4; plus strand). Cytogenetic location: 1q31.1.
Variant type: single nucleotide variant.
Coding change: c.*1711A>G on transcript NM_003292.3 (MANE Select); 1711 bases downstream of the stop codon, A replaced by G.
Molecular consequence: 3 prime UTR variant. On other transcripts: synonymous variant (5).
Genome position (GRCh38, 1-based): chr1:186,312,260, T>C on the plus strand (A>G on the coding strand, the complement: TPR is on the minus strand). VCF-style: chr1-186312260-T-C. GRCh37 (hg19) VCF-style: chr1-186281392-T-C.
Other names: c.3756T>C, p.Tyr1252= (NM_001127708.3); c.3600T>C, p.Tyr1200= (NM_001127709.3); c.3477T>C, p.Tyr1159= (NM_001127710.3); c.3750T>C, p.Tyr1250= (NM_001303232.2); c.3879T>C, p.Tyr1293= (NM_005807.6).
Identifiers: ClinVar variation 781667 (VCV000781667.30), dbSNP rs138093894, ClinGen allele CA1296776.